The following is an entry in ClinVar:

ClinVar aggregate classification (germline): Uncertain significance (1 of 4 stars; one submission).

Allele frequency attached by ClinVar (database versions not stated): gnomAD exomes below 0.00001; ExAC 0.00001.
gnomAD v4.1: 2 of 1,614,284 alleles (0.00012%); highest among the groups gnomAD compares: Non-Finnish European, 0.00017%; no homozygotes.

Submission:

Labcorp Genetics (formerly Invitae), Labcorp
Classification: Uncertain significance. Last evaluated: 2023-08-10. Review status: criteria provided, single submitter. Criteria: Invitae Variant Classification Sherloc (09022015). Collection method: clinical testing. Allele origin: germline.
Comment: In summary, the available evidence is currently insufficient to determine the role of this variant in disease. Therefore, it has been classified as a Variant of Uncertain Significance. An algorithm developed to predict the effect of missense changes on protein structure and function (PolyPhen-2) suggests that this variant is likely to be tolerated. ClinVar contains an entry for this variant (Variation ID: 957329). This variant has not been reported in the literature in individuals affected with CEP250-related conditions. This variant is present in population databases (rs531936866, gnomAD 0.0009%). This sequence change replaces lysine, which is basic and polar, with arginine, which is basic and polar, at codon 1449 of the CEP250 protein (p.Lys1449Arg).

NM_007186.6(CEP250):c.4346A>G (p.Lys1449Arg)

Gene: CEP250 (centrosomal protein 250; plus strand). Cytogenetic location: 20q11.22.
Variant type: single nucleotide variant.
Coding change: c.4346A>G on transcript NM_007186.6 (MANE Select); coding-DNA position 4346, A replaced by G.
Protein change: p.Lys1449Arg; replaces lysine 1449 with arginine.
Molecular consequence: missense variant.
Genome position (GRCh38, 1-based): chr20:35,502,715, A>G. VCF-style: chr20-35502715-A-G. GRCh37 (hg19) VCF-style: chr20-34090543-A-G.
Other names: c.2450A>G, p.Lys817Arg (NM_001318219.1); short protein forms K1449R, K817R.
Identifiers: ClinVar variation 957329 (VCV000957329.8), dbSNP rs531936866, ClinGen allele CA9833705.